The following is an entry in ClinVar:

ClinVar aggregate classification (germline): Pathogenic. Review status: criteria provided, single submitter (1 of 4 stars). 2 submissions from 2 submitters: Pathogenic (1). 1 of the submissions does not count toward it. Last evaluated 2023-10-28.

Conditions:
Early-infantile DEE. Also called: Early infantile epileptic encephalopathy with suppression bursts; Ohtahara syndrome; Early infantile epileptic encephalopathy. Identifiers: Orphanet 1934, MedGen C0393706, MONDO:0800491.
Seizures, benign familial neonatal, 1. Also called: Benign Neonatal Epilepsy 1; KCNQ2-Related Benign Familial Neonatal Epilepsy; KCNQ2-Related Self-Limited Familial Neonatal Epilepsy (SLFNE); Seizures, benign neonatal, 1. Identifiers: Orphanet 1949, MedGen C3149074, MONDO:0007365, OMIM 121200.

Submissions (2):

Labcorp Genetics (formerly Invitae), Labcorp
Classification: Pathogenic for Early-infantile DEE. Last evaluated: 2023-10-28. Review status: criteria provided, single submitter. Criteria: Invitae Variant Classification Sherloc (09022015). Collection method: clinical testing. Allele origin: germline.
Comment: This sequence change falls in intron 15 of the KCNQ2 gene. It does not directly change the encoded amino acid sequence of the KCNQ2 protein. This variant is not present in population databases (gnomAD no frequency). This variant has been observed in individual(s) with benign familial neonatal convulsions (PMID: 16686649). It has also been observed to segregate with disease in related individuals. This variant is also known as IVS14-6C>A, Val589X, and p.R588fsX589. ClinVar contains an entry for this variant (Variation ID: 21815). Algorithms developed to predict the effect of variants on protein structure and function are not available or were not evaluated for this variant. Experimental studies have shown that this variant affects KCNQ2 function (PMID: 16686649). Algorithms developed to predict the effect of sequence changes on RNA splicing suggest that this variant may disrupt the consensus splice site. For these reasons, this variant has been classified as Pathogenic.

GeneReviews
No classification provided. Condition: Seizures, benign familial neonatal, 1. Review status: no classification provided. Collection method: literature only. Allele origin: germline. Affected: yes. Not counted in ClinVar's aggregate classification.
Comment: BFNE (benign familial neonatal epilepsy).

Functional effect: Slight rightward shift in current voltage-dependence; reduction in current amplitude in heteromeric channels

Literature cited by the submitters: PubMed 16686649 (cited by Labcorp Genetics (formerly Invitae), Labcorp and GeneReviews); PubMed 19559753 (cited by GeneReviews); NCBI Bookshelf NBK32534 (cited by GeneReviews).

NM_172107.4(KCNQ2):c.1764-6C>A

Gene: KCNQ2 (potassium voltage-gated channel subfamily Q member 2; minus strand). Cytogenetic location: 20q13.33.
Variant type: single nucleotide variant.
Coding change: c.1764-6C>A on transcript NM_172107.4 (MANE Select); 6 bases into the intron before coding-DNA position 1764, C replaced by A.
Molecular consequence: intron variant.
Genome position (GRCh38, 1-based): chr20:63,408,542, G>T on the plus strand (C>A on the coding strand, the complement: KCNQ2 is on the minus strand). VCF-style: chr20-63408542-G-T. GRCh37 (hg19) VCF-style: chr20-62039895-G-T.
Other names: c.1680-6C>A (NM_004518.6); c.1671-6C>A (NM_172108.5); c.1710-6C>A (NM_172106.3).
Identifiers: ClinVar variation 21815 (VCV000021815.5), dbSNP rs118192239, ClinGen allele CA342548.